The following is an entry in ClinVar:

ClinVar aggregate classification (germline): Benign/Likely benign. Review status: criteria provided, multiple submitters, no conflicts (2 of 4 stars). 3 submissions from 3 submitters: Benign (1); Likely benign (2). Last evaluated 2025-03-20.

Conditions:
Juvenile polyposis syndrome (JPS). Identifiers: Orphanet 2929, MedGen C0345893, MONDO:0017380, OMIM 174900.
Juvenile polyposis/hereditary hemorrhagic telangiectasia syndrome (JPHT). Also called: JP/HHT SYNDROME; JUVENILE POLYPOSIS WITH HEREDITARY HEMORRHAGIC TELANGIECTASIA; POLYPOSIS, GENERALIZED JUVENILE, WITH PULMONARY ARTERIOVENOUS MALFORMATION; TELANGIECTASIA, HEREDITARY HEMORRHAGIC, WITH JUVENILE POLYPOSIS COLI; Juvenile Polyposis Syndrome / Hereditary Hemorrhagic Telangiectasia (JPS/HHT). Identifiers: Orphanet 2929, MedGen C1832942, MONDO:0008278, OMIM 175050.
Hereditary cancer-predisposing syndrome. Also called: Hereditary Cancer Syndrome; Neoplastic Syndromes, Hereditary; Hereditary neoplastic syndrome; Tumor predisposition. Identifiers: Orphanet 140162, MedGen C0027672, MeSH D009386, MONDO:0015356.
Familial thoracic aortic aneurysm and aortic dissection (TAAD). Also called: Thoracic aortic aneurysms and dissections. Identifiers: Orphanet 91387, MedGen C4707243, MONDO:0019625.

Allele frequency attached by ClinVar (database versions not stated): gnomAD exomes below 0.00001.
gnomAD v4.1: 1 of 1,608,986 alleles (0.000062%); highest among the groups gnomAD compares: Admixed American, 0.0017%; no homozygotes.

Submissions (3):

Myriad Genetics, Inc.
Classification: Benign for Juvenile polyposis/hereditary hemorrhagic telangiectasia syndrome. Last evaluated: 2025-03-20. Review status: criteria provided, single submitter. Criteria: Myriad Autosomal Dominant, Autosomal Recessive and X-Linked Classification Criteria (2023). Collection method: clinical testing. Allele origin: unknown.
Comment: This variant is considered benign. This variant is a silent/synonymous amino acid change and it is not expected to impact splicing.

Ambry Genetics
Classification: Likely benign for Hereditary cancer-predisposing syndrome; Familial thoracic aortic aneurysm and aortic dissection. Last evaluated: 2024-08-19. Review status: criteria provided, single submitter. Criteria: Ambry Variant Classification Scheme 2023. Collection method: clinical testing. Allele origin: germline.

Labcorp Genetics (formerly Invitae), Labcorp
Classification: Likely benign for Juvenile polyposis syndrome. Last evaluated: 2023-04-27. Review status: criteria provided, single submitter. Criteria: Invitae Variant Classification Sherloc (09022015). Collection method: clinical testing. Allele origin: germline.

NM_005359.6(SMAD4):c.891T>C (p.His297=)

Gene: SMAD4 (SMAD family member 4; plus strand). Cytogenetic location: 18q21.2.
Variant type: single nucleotide variant.
Coding change: c.891T>C on transcript NM_005359.6 (MANE Select); coding-DNA position 891, T replaced by C.
Protein change: p.His297=; no amino-acid change (histidine 297 retained).
Molecular consequence: synonymous variant.
Genome position (GRCh38, 1-based): chr18:51,058,443, T>C. VCF-style: chr18-51058443-T-C. GRCh37 (hg19) VCF-style: chr18-48584813-T-C.
Other names: c.891T>C (NM_005359.5).
Identifiers: ClinVar variation 1153102 (VCV001153102.11), dbSNP rs1384477319, ClinGen allele CA503994110.